The following is an entry in ClinVar:

NM_000748.3(CHRNB2):c.1353G>C (p.Trp451Cys)

Gene: CHRNB2 (cholinergic receptor nicotinic beta 2 subunit; plus strand). Cytogenetic location: 1q21.3.
Variant type: single nucleotide variant.
Coding change: c.1353G>C on transcript NM_000748.3 (MANE Select); coding-DNA position 1353, G replaced by C.
Protein change: p.Trp451Cys; replaces tryptophan 451 with cysteine.
Molecular consequence: missense variant.
Genome position (GRCh38, 1-based): chr1:154,575,776, G>C. VCF-style: chr1-154575776-G-C. GRCh37 (hg19) VCF-style: chr1-154548252-G-C.
Other names: short protein forms W451C.
Identifiers: ClinVar variation 3144654 (VCV003144654.2), dbSNP rs201110967, ClinGen allele CA1130861.
Genomic context (GRCh38, chr1:154,575,776, plus strand): 5'-CATCCTGCATCATGTGACCTGGGCCTCCTCCGTCTCCTCCATCCAGGTGAGTGAGGACTG[G>C]AAGTACGTCGCCATGGTGATCGACCGCCTCTTCCTCTGGATCTTTGTCTTTGTCTGTGTC-3'
Protein context (NP_000739.1, residues 441-461): EDDDQSVSED[Trp451Cys]KYVAMVIDRL

ClinVar aggregate classification (germline): Uncertain significance. Review status: criteria provided, multiple submitters, no conflicts (2 of 4 stars). 2 submissions from 2 submitters: Uncertain significance (2). Last evaluated 2024-05-02.

Conditions:
Inborn genetic diseases. Identifiers: MedGen C0950123, MeSH D030342.

Allele frequency attached by ClinVar (database versions not stated): ExAC 0.00001; gnomAD exomes 0.00001; TOPMed 0.00002; gnomAD 0.00003.
gnomAD v4.1: 23 of 1,614,032 alleles (0.0014%); highest among the groups gnomAD compares: African/African-American, 0.0027%; no homozygotes.

Submissions (2):

Women's Health and Genetics/Laboratory Corporation of America, LabCorp
Classification: Uncertain significance. Last evaluated: 2024-05-02. Review status: criteria provided, single submitter. Criteria: LabCorp Variant Classification Summary - May 2015. Collection method: clinical testing. Allele origin: germline.
Comment: Variant summary: CHRNB2 c.1353G>C (p.Trp451Cys) results in a non-conservative amino acid change located in the Neurotransmitter-gated ion-channel transmembrane domain (IPR006029) of the encoded protein sequence. Five of five in-silico tools predict a damaging effect of the variant on protein function. The variant allele was found at a frequency of 8e-06 in 251472 control chromosomes. The available data on variant occurrences in the general population are insufficient to allow any conclusion about variant significance. c.1353G>C has been reported in the literature in individuals affected with focal epilepsy (Tsai_2018). These report(s) do not provide unequivocal conclusions about association of the variant with Autosomal Dominant Nocturnal Frontal Lobe Epilepsy 3. To our knowledge, no experimental evidence demonstrating an impact on protein function has been reported. No submitters have cited clinical-significance assessments for this variant to ClinVar. Based on the evidence outlined above, the variant was classified as uncertain significance.

Ambry Genetics
Classification: Uncertain significance for Inborn genetic diseases. Last evaluated: 2024-01-22. Review status: criteria provided, single submitter. Criteria: Ambry Variant Classification Scheme 2023. Collection method: clinical testing. Allele origin: germline.

Literature cited by the submitters: PubMed 30034362 (cited by Women's Health and Genetics/Laboratory Corporation of America, LabCorp).